The following is an entry in ClinVar:

ClinVar aggregate classification (germline): Uncertain significance (1 of 4 stars; one submission).

Conditions:
Walker-Warburg congenital muscular dystrophy. Also called: Muscular dystrophy-dystroglycanopathy, type A; Walker-Warburg syndrome. Identifiers: Orphanet 899, MedGen C0265221, MONDO:0000171.
Autosomal recessive limb-girdle muscular dystrophy type 2K. Also called: MUSCULAR DYSTROPHY, LIMB-GIRDLE, TYPE 2K; MUSCULAR DYSTROPHY-DYSTROGLYCANOPATHY (LIMB-GIRDLE), TYPE C, 1. Identifiers: Orphanet 86812, MedGen C1836373, MONDO:0012248, OMIM 609308.
Muscular dystrophy-dystroglycanopathy (congenital with impaired intellectual development), type B, 1. Also called: MUSCULAR DYSTROPHY, CONGENITAL, POMT1-RELATED; Muscular dystrophy-dystroglycanopathy (congenital with intellectual disability), type B1. Identifiers: MedGen C5436962, MONDO:0013159, OMIM 613155.

Allele frequency attached by ClinVar (database versions not stated): TOPMed below 0.00001; gnomAD exomes 0.00001 and below 0.00001.
gnomAD v4.1: 5 of 1,552,014 alleles (0.00032%); highest among the groups gnomAD compares: African/African-American, 0.0014%; no homozygotes.

Submission:

Labcorp Genetics (formerly Invitae), Labcorp
Classification: Uncertain significance for Muscular dystrophy-dystroglycanopathy (congenital with impaired intellectual development), type B, 1; Walker-Warburg congenital muscular dystrophy; Autosomal recessive limb-girdle muscular dystrophy type 2K. Last evaluated: 2022-08-31. Review status: criteria provided, single submitter. Criteria: Invitae Variant Classification Sherloc (09022015). Collection method: clinical testing. Allele origin: germline.
Comment: This sequence change replaces arginine, which is basic and polar, with glutamine, which is neutral and polar, at codon 524 of the POMT1 protein (p.Arg524Gln). The frequency data for this variant in the population databases is considered unreliable, as metrics indicate poor data quality at this position in the gnomAD database. This variant has not been reported in the literature in individuals affected with POMT1-related conditions. ClinVar contains an entry for this variant (Variation ID: 1372291). Algorithms developed to predict the effect of missense changes on protein structure and function (SIFT, PolyPhen-2, Align-GVGD) all suggest that this variant is likely to be tolerated. In summary, the available evidence is currently insufficient to determine the role of this variant in disease. Therefore, it has been classified as a Variant of Uncertain Significance.

NM_001077365.2(POMT1):c.1505G>A (p.Arg502Gln)

Gene: POMT1 (protein O-mannosyltransferase 1; plus strand). Cytogenetic location: 9q34.13.
Variant type: single nucleotide variant.
Coding change: c.1505G>A on transcript NM_001077365.2 (MANE Select); coding-DNA position 1505, G replaced by A.
Protein change: p.Arg502Gln; replaces arginine 502 with glutamine.
Molecular consequence: missense variant. On other transcripts: non-coding transcript variant (10), intron variant (1).
Genome position (GRCh38, 1-based): chr9:131,519,407, G>A. VCF-style: chr9-131519407-G-A. GRCh37 (hg19) VCF-style: chr9-134394794-G-A.
Other names: c.1343G>A, p.Arg448Gln (NM_001077366.2, NM_001353194.2); c.1505G>A, p.Arg502Gln (NM_001136113.2); c.1154G>A, p.Arg385Gln (NM_001136114.2, NM_001353195.2, NM_001374691.1 and 2 more transcripts); c.1571G>A, p.Arg524Gln (NM_001353193.2, NM_007171.4); c.1415G>A, p.Arg472Gln (NM_001353196.2); c.1409G>A, p.Arg470Gln (NM_001353197.2, NM_001353198.2); c.1220G>A, p.Arg407Gln (NM_001353199.2); c.1049G>A, p.Arg350Gln (NM_001353200.2); and 3 more; short protein forms R350Q, R385Q, R472Q, R524Q, R372Q, R448Q, R470Q, R502Q.
Identifiers: ClinVar variation 1372291 (VCV001372291.3), dbSNP rs1174599967, ClinGen allele CA375312706.